The following is an entry in ClinVar:

ClinVar aggregate classification (germline): Uncertain significance. Review status: criteria provided, multiple submitters, no conflicts (2 of 4 stars). 2 submissions from 2 submitters: Uncertain significance (2). Last evaluated 2024-09-10.

Conditions:
Inborn genetic diseases. Identifiers: MedGen C0950123, MeSH D030342.

Submissions (2):

Ambry Genetics
Classification: Uncertain significance for Inborn genetic diseases. Last evaluated: 2024-09-10. Review status: criteria provided, single submitter. Criteria: Ambry Variant Classification Scheme 2023. Collection method: clinical testing. Allele origin: germline.

Labcorp Genetics (formerly Invitae), Labcorp
Classification: Uncertain significance. Last evaluated: 2023-02-13. Review status: criteria provided, single submitter. Criteria: Invitae Variant Classification Sherloc (09022015). Collection method: clinical testing. Allele origin: germline.
Comment: This sequence change replaces arginine, which is basic and polar, with glycine, which is neutral and non-polar, at codon 362 of the NSD1 protein (p.Arg362Gly). This variant is not present in population databases (gnomAD no frequency). This variant has not been reported in the literature in individuals affected with NSD1-related conditions. Advanced modeling of protein sequence and biophysical properties (such as structural, functional, and spatial information, amino acid conservation, physicochemical variation, residue mobility, and thermodynamic stability) performed at Invitae indicates that this missense variant is expected to disrupt NSD1 protein function. In summary, the available evidence is currently insufficient to determine the role of this variant in disease. Therefore, it has been classified as a Variant of Uncertain Significance.

NM_022455.5(NSD1):c.1084C>G (p.Arg362Gly)

Gene: NSD1 (nuclear receptor binding SET domain protein 1; plus strand). Cytogenetic location: 5q35.3.
Variant type: single nucleotide variant.
Coding change: c.1084C>G on transcript NM_022455.5 (MANE Select); coding-DNA position 1084, C replaced by G.
Protein change: p.Arg362Gly; replaces arginine 362 with glycine.
Molecular consequence: missense variant.
Genome position (GRCh38, 1-based): chr5:177,204,140, C>G. VCF-style: chr5-177204140-C-G. GRCh37 (hg19) VCF-style: chr5-176631141-C-G.
Other names: c.211C>G, p.Arg71Gly (NM_001365684.2, NM_001409306.1, NM_001409307.1 and 3 more transcripts); c.1084C>G, p.Arg362Gly (NM_001409301.1, NM_001409302.1, NM_001409303.1); c.664C>G, p.Arg222Gly (NM_001409304.1); c.331C>G, p.Arg111Gly (NM_001409305.1); short protein forms R111G, R222G, R362G, R71G.
Identifiers: ClinVar variation 3407966 (VCV003407966.3).